The following is an entry in ClinVar:

ClinVar aggregate classification (germline): Likely benign. Review status: criteria provided, multiple submitters, no conflicts (2 of 4 stars). 2 submissions from 2 submitters: Likely benign (2). Last evaluated 2025-02-27.

gnomAD v4.1: 300 of 1,613,968 alleles (0.019%); highest among the groups gnomAD compares: Non-Finnish European, 0.025%; no homozygotes.

Submissions (2):

Labcorp Genetics (formerly Invitae), Labcorp
Classification: Likely benign. Last evaluated: 2025-02-27. Review status: criteria provided, single submitter. Criteria: Invitae Variant Classification Sherloc (09022015). Collection method: clinical testing. Allele origin: germline.

CeGaT Center for Human Genetics Tuebingen
Classification: Likely benign. Last evaluated: 2024-10-01. Review status: criteria provided, single submitter. Criteria: CeGaT Center For Human Genetics Tuebingen Variant Classification Criteria Version 2. Collection method: clinical testing. Allele origin: germline. Affected: yes. Observed: 1 variant allele.
Comment: BLK: BP4, BP7

NM_001715.3(BLK):c.579C>T (p.Ile193=)

Genes: BLK-AS1 (BLK antisense RNA 1), BLK (BLK proto-oncogene, Src family tyrosine kinase). Cytogenetic location: 8p23.1.
Variant type: single nucleotide variant.
Coding change: c.579C>T on transcript NM_001715.3 (MANE Select); coding-DNA position 579, C replaced by T.
Protein change: p.Ile193=; no amino-acid change (isoleucine 193 retained).
Molecular consequence: synonymous variant.
Genome position (GRCh38, 1-based): chr8:11,554,849, C>T. VCF-style: chr8-11554849-C-T. GRCh37 (hg19) VCF-style: chr8-11412358-C-T.
Other names: c.366C>T, p.Ile122= (NM_001330465.2).
Identifiers: ClinVar variation 3388788 (VCV003388788.16).